The following is an entry in ClinVar:

ClinVar aggregate classification (germline): Uncertain significance (1 of 4 stars; one submission).

Conditions:
X-linked Emery-Dreifuss muscular dystrophy. Also called: Muscular dystrophy, tardive Emery-Dreifuss type, with contractures. Identifiers: Orphanet 261, Orphanet 98863, MedGen C0751337, MONDO:0010680.

Submission:

Labcorp Genetics (formerly Invitae), Labcorp
Classification: Uncertain significance for X-linked Emery-Dreifuss muscular dystrophy. Last evaluated: 2021-12-11. Review status: criteria provided, single submitter. Criteria: Invitae Variant Classification Sherloc (09022015). Collection method: clinical testing. Allele origin: germline.
Comment: In summary, the available evidence is currently insufficient to determine the role of this variant in disease. Therefore, it has been classified as a Variant of Uncertain Significance. Algorithms developed to predict the effect of missense changes on protein structure and function are either unavailable or do not agree on the potential impact of this missense change (SIFT: "Deleterious"; PolyPhen-2: "Probably Damaging"; Align-GVGD: "Class C0"). This variant has not been reported in the literature in individuals affected with EMD-related conditions. This variant is not present in population databases (gnomAD no frequency). This sequence change replaces isoleucine, which is neutral and non-polar, with methionine, which is neutral and non-polar, at codon 206 of the EMD protein (p.Ile206Met).

NM_000117.3(EMD):c.618C>G (p.Ile206Met)

Gene: EMD (emerin; plus strand). Cytogenetic location: Xq28.
Variant type: single nucleotide variant.
Coding change: c.618C>G on transcript NM_000117.3 (MANE Select); coding-DNA position 618, C replaced by G.
Protein change: p.Ile206Met; replaces isoleucine 206 with methionine.
Molecular consequence: missense variant.
Genome position (GRCh38, 1-based): chrX:154,381,050, C>G. VCF-style: chrX-154381050-C-G. GRCh37 (hg19) VCF-style: chrX-153609410-C-G.
Other names: short protein forms I206M.
Identifiers: ClinVar variation 1468871 (VCV001468871.6), dbSNP rs782496874, ClinGen allele CA415259031.